The following is an entry in ClinVar:

ClinVar aggregate classification (germline): Benign/Likely benign. Review status: criteria provided, multiple submitters, no conflicts (2 of 4 stars). 5 submissions from 5 submitters: Benign (1); Likely benign (3). 1 of the submissions does not count toward it. Last evaluated 2026-01-31.

Conditions:
TUBA8-related disorder. Also called: TUBA8-related condition.

Allele frequency attached by ClinVar (database versions not stated): gnomAD 0.00102 and 0.00097; gnomAD exomes 0.00123; ESP Exome Variant Server 0.00131; 1000 Genomes Project 30x 0.00016; TOPMed 0.00092; ExAC 0.00099.
gnomAD v4.1: 1,867 of 1,613,854 alleles (0.12%); highest among the groups gnomAD compares: Non-Finnish European, 0.11%; 6 homozygotes.

Submissions (5):

Labcorp Genetics (formerly Invitae), Labcorp
Classification: Likely benign. Last evaluated: 2026-01-31. Review status: criteria provided, single submitter. Criteria: Invitae Variant Classification Sherloc (09022015). Collection method: clinical testing. Allele origin: germline.

Blueprint Genetics
Classification: Likely benign. Last evaluated: 2024-11-21. Review status: criteria provided, single submitter. Criteria: ACMG Guidelines, 2015. Collection method: clinical testing. Allele origin: germline.

GeneDx
Classification: Benign. Last evaluated: 2019-10-03. Review status: criteria provided, single submitter. Criteria: GeneDx Variant Classification Process June 2021. Collection method: clinical testing. Allele origin: germline. Affected: yes.

Genetic Services Laboratory, University of Chicago
Classification: Likely benign. Last evaluated: 2013-12-04. Review status: criteria provided, single submitter. Criteria: ACMG Guidelines, 2007. Collection method: clinical testing. Allele origin: germline. Inheritance: Autosomal recessive inheritance.
Comment: Likely benign based on allele frequency in 1000 Genomes Project or ESP global frequency and its presence in a patient with a rare or unrelated disease phenotype. NOT Sanger confirmed

PreventionGenetics, part of Exact Sciences
Classification: Benign for TUBA8-related condition. Last evaluated: 2019-06-05. Review status: no assertion criteria provided. Collection method: clinical testing. Allele origin: germline. Not counted in ClinVar's aggregate classification.
Comment: This variant is classified as benign based on ACMG/AMP sequence variant interpretation guidelines (Richards et al. 2015 PMID: 25741868, with internal and published modifications).

NM_018943.3(TUBA8):c.1080G>A (p.Pro360=)

Gene: TUBA8 (tubulin alpha 8; plus strand). Cytogenetic location: 22q11.21.
Variant type: single nucleotide variant.
Coding change: c.1080G>A on transcript NM_018943.3 (MANE Select); coding-DNA position 1080, G replaced by A.
Protein change: p.Pro360=; no amino-acid change (proline 360 retained).
Molecular consequence: synonymous variant.
Genome position (GRCh38, 1-based): chr22:18,130,866, G>A. VCF-style: chr22-18130866-G-A. GRCh37 (hg19) VCF-style: chr22-18613633-G-A.
Other names: c.882G>A, p.Pro294= (NM_001193414.2).
Identifiers: ClinVar variation 160170 (VCV000160170.20), dbSNP rs145407514, ClinGen allele CA173763.
Genomic context (GRCh38, chr22:18,130,866, plus strand): 5'-CTTCTTCTGTGGCTCCTCCTCTTTCTGTGTCCCTCAGGTGGGCATCAACTACCAGCCCCC[G>A]ACCGTGGTCCCCGGGGGAGACCTGGCCAAGGTGCAGCGGGCCGTCTGCATGCTCAGCAAC-3'
Protein context (NP_061816.1, residues 350-370): GFKVGINYQP[Pro360=]TVVPGGDLAK